The following is an entry in ClinVar:

NM_001385079.1(PDE10A):c.3012T>C (p.Tyr1004=)

Gene: PDE10A (phosphodiesterase 10A; minus strand). Cytogenetic location: 6q27.
Variant type: single nucleotide variant.
Coding change: c.3012T>C on transcript NM_001385079.1 (MANE Select); coding-DNA position 3012, T replaced by C.
Protein change: p.Tyr1004=; no amino-acid change (tyrosine 1004 retained).
Molecular consequence: synonymous variant.
Genome position (GRCh38, 1-based): chr6:165,336,176, A>G on the plus strand (T>C on the coding strand, the complement: PDE10A is on the minus strand). VCF-style: chr6-165336176-A-G. GRCh37 (hg19) VCF-style: chr6-165749665-A-G.
Other names: p.Tyr738=; c.2214T>C, p.Tyr738= (NM_001130690.3); c.2184T>C, p.Tyr728= (NM_006661.4).
Identifiers: ClinVar variation 789513 (VCV000789513.36), dbSNP rs148845227, ClinGen allele CA4091947.

ClinVar aggregate classification (germline): Benign/Likely benign. Review status: criteria provided, multiple submitters, no conflicts (2 of 4 stars). 5 submissions from 5 submitters: Benign (1); Likely benign (3). 1 of the submissions does not count toward it. Last evaluated 2025-12-19.

Conditions:
PDE10A-related disorder. Also called: PDE10A-related condition.

Allele frequency attached by ClinVar (database versions not stated): 1000 Genomes Project 30x 0.00016; 1000 Genomes Project 0.00020; gnomAD 0.00078 and 0.00081; TOPMed 0.00095; gnomAD exomes 0.00097 and 0.00119; ExAC 0.00123; ESP Exome Variant Server 0.00131.
gnomAD v4.1: 1,559 of 1,614,144 alleles (0.097%); highest among the groups gnomAD compares: Non-Finnish European, 0.1%; 2 homozygotes.

Submissions (5):

Labcorp Genetics (formerly Invitae), Labcorp
Classification: Likely benign. Last evaluated: 2025-12-19. Review status: criteria provided, single submitter. Criteria: Invitae Variant Classification Sherloc (09022015). Collection method: clinical testing. Allele origin: germline.

CeGaT Center for Human Genetics Tuebingen
Classification: Likely benign. Last evaluated: 2025-12-01. Review status: criteria provided, single submitter. Criteria: CeGaT Center For Human Genetics Tuebingen Variant Classification Criteria Version 2. Collection method: clinical testing. Allele origin: germline. Affected: yes. Observed: 4 variant alleles.
Comment: PDE10A: BP4, BP7

Mayo Clinic Laboratories, Mayo Clinic
Classification: Benign. Last evaluated: 2025-10-03. Review status: criteria provided, single submitter. Criteria: ACMG Guidelines, 2015. Collection method: clinical testing. Allele origin: germline. Observed: 5 variant alleles.
Comment: BA1, BP4, BP7

Breakthrough Genomics
Classification: Likely benign. Review status: criteria provided, single submitter. Criteria: ACMG Guidelines, 2015. Collection method: not provided. Allele origin: germline. Inheritance: Autosomal recessive inheritance. Affected: yes.

PreventionGenetics, part of Exact Sciences
Classification: Benign for PDE10A-related condition. Last evaluated: 2024-04-18. Review status: no assertion criteria provided. Collection method: clinical testing. Allele origin: germline. Not counted in ClinVar's aggregate classification.
Comment: This variant is classified as benign based on ACMG/AMP sequence variant interpretation guidelines (Richards et al. 2015 PMID: 25741868, with internal and published modifications).